The following is an entry in ClinVar:

NM_001083961.2(WDR62):c.269+19C>T

Gene: WDR62 (WD repeat domain 62; plus strand). Cytogenetic location: 19q13.12.
Variant type: single nucleotide variant.
Coding change: c.269+19C>T on transcript NM_001083961.2 (MANE Select); 19 bases into the intron after coding-DNA position 269, C replaced by T.
Molecular consequence: intron variant.
Genome position (GRCh38, 1-based): chr19:36,058,890, C>T. VCF-style: chr19-36058890-C-T. GRCh37 (hg19) VCF-style: chr19-36549792-C-T.
Other names: c.269+19C>T (NM_173636.5).
Identifiers: ClinVar variation 382897 (VCV000382897.14), dbSNP rs140267028, ClinGen allele CA9395183.
Genomic context (GRCh38, chr19:36,058,890, plus strand): 5'-AACCTGTGACCCCGGCACAGGCCATGTGGCCTACCTGGCAGGGTAAGCAGATAAGGGCCT[C>T]GACGTCTAATCATTGCTAGGGAATTTGGAGCTTGGAACCTGAAGCCATCCGTAAATCGCT-3'

ClinVar aggregate classification (germline): Benign/Likely benign. Review status: criteria provided, multiple submitters, no conflicts (2 of 4 stars). 6 submissions from 6 submitters: Benign (2); Likely benign (3). 1 of the submissions does not count toward it. Last evaluated 2025-11-29.

Conditions:
WDR62-related disorder. Also called: WDR62-related condition.
Microcephaly 2, primary, autosomal recessive, with or without cortical malformations. Also called: MICROCEPHALY 2, PRIMARY, AUTOSOMAL RECESSIVE, WITH CORTICAL MALFORMATIONS; WDR62 Primary Microcephaly. Identifiers: Orphanet 2512, MedGen C1858535, MONDO:0011435, OMIM 604317.

Allele frequency attached by ClinVar (database versions not stated): ESP Exome Variant Server 0.00200; gnomAD 0.00209 and 0.00221; TOPMed 0.00227; 1000 Genomes Project 0.00280; 1000 Genomes Project 30x 0.00312.
gnomAD v4.1: 1,077 of 1,597,128 alleles (0.067%); highest among the groups gnomAD compares: Middle Eastern, 0.68%; 7 homozygotes.

Submissions (6):

Labcorp Genetics (formerly Invitae), Labcorp
Classification: Benign. Last evaluated: 2025-11-29. Review status: criteria provided, single submitter. Criteria: Invitae Variant Classification Sherloc (09022015). Collection method: clinical testing. Allele origin: germline.

Genomic Medicine Center of Excellence, King Faisal Specialist Hospital and Research Centre
Classification: Likely benign. Last evaluated: 2025-08-18. Review status: criteria provided, single submitter. Criteria: ACMG Guidelines, 2015. Collection method: clinical testing. Allele origin: germline.

Blueprint Genetics
Classification: Likely benign. Last evaluated: 2024-11-11. Review status: criteria provided, single submitter. Criteria: ACMG Guidelines, 2015. Collection method: clinical testing. Allele origin: germline.

Genome-Nilou Lab
Classification: Benign for Microcephaly 2, primary, autosomal recessive, with or without cortical malformations. Last evaluated: 2021-12-05. Review status: criteria provided, single submitter. Criteria: ACMG Guidelines, 2015. Collection method: clinical testing. Allele origin: germline. Affected: no.

GeneDx
Classification: Likely benign. Last evaluated: 2017-05-08. Review status: criteria provided, single submitter. Criteria: GeneDx Variant Classification (06012015). Collection method: clinical testing. Allele origin: germline. Affected: yes.
Comment: This variant is considered likely benign or benign based on one or more of the following criteria: it is a conservative change, it occurs at a poorly conserved position in the protein, it is predicted to be benign by multiple in silico algorithms, and/or has population frequency not consistent with disease.

PreventionGenetics, part of Exact Sciences
Classification: Likely benign for WDR62-related condition. Last evaluated: 2022-09-07. Review status: no assertion criteria provided. Collection method: clinical testing. Allele origin: germline. Not counted in ClinVar's aggregate classification.
Comment: This variant is classified as likely benign based on ACMG/AMP sequence variant interpretation guidelines (Richards et al. 2015 PMID: 25741868, with internal and published modifications).